The following is an entry in ClinVar:

NM_000426.4(LAMA2):c.6268+5G>C

Genes: LAMA2 (laminin subunit alpha 2; plus strand), LOC123864065 (Sharpr-MPRA regulatory region 661; plus strand). Cytogenetic location: 6q22.33.
Variant type: single nucleotide variant.
Coding change: c.6268+5G>C on transcript NM_000426.4 (MANE Select); 5 bases into the intron after coding-DNA position 6268, G replaced by C.
Molecular consequence: intron variant.
Genome position (GRCh38, 1-based): chr6:129,441,003, G>C. VCF-style: chr6-129441003-G-C. GRCh37 (hg19) VCF-style: chr6-129762148-G-C.
Other names: c.6268+5G>C (NM_001079823.2).
Identifiers: ClinVar variation 284415 (VCV000284415.65), dbSNP rs182064878, ClinGen allele CA3994151.

ClinVar aggregate classification (germline): Uncertain significance. Review status: criteria provided, multiple submitters, no conflicts (2 of 4 stars). 16 submissions from 16 submitters: Uncertain significance (15). 1 of the submissions does not count toward it. Last evaluated 2025-07-30.

Conditions:
LAMA2-related disorder. Also called: LAMA2-related disorders; LAMA2-related condition.
Merosin deficient congenital muscular dystrophy (MDC1A). Also called: Congenital merosin-deficient muscular dystrophy 1A; Congenital Muscular Dystrophy Type 1A (MDC1A). Identifiers: Orphanet 258, MedGen C1263858, MONDO:0011925, OMIM 607855.
Muscular dystrophy, limb-girdle, autosomal recessive 23. Identifiers: Orphanet 565837, MedGen C4748327, MONDO:0029136, OMIM 618138.
Inborn genetic diseases. Identifiers: MedGen C0950123, MeSH D030342.
LAMA2-related muscular dystrophy (LAMA2-RD). Also called: Laminin alpha 2-related dystrophy. Identifiers: MedGen C5679788, MONDO:0100228.
Congenital muscular dystrophy due to partial LAMA2 deficiency. Identifiers: MedGen C1842898.
Intellectual disability. Also called: Intellectual functioning disability; intellectual disabilities; Intellectual developmental disorder. Identifiers: MedGen C3714756, MeSH D008607, MONDO:0001071, HP:0001249.

Allele frequency attached by ClinVar (database versions not stated): 1000 Genomes Project 30x 0.00031; 1000 Genomes Project 0.00040; TOPMed 0.00055; ExAC 0.00059; gnomAD 0.00066 and 0.00068; gnomAD exomes 0.00067 and 0.00102; ESP Exome Variant Server 0.00115.
gnomAD v4.1: 1,578 of 1,610,274 alleles (0.098%); highest among the groups gnomAD compares: Non-Finnish European, 0.12%; 3 homozygotes.

Submissions (18):

Women's Health and Genetics/Laboratory Corporation of America, LabCorp
Classification: Uncertain significance. Last evaluated: 2025-07-30. Review status: criteria provided, single submitter. Criteria: LabCorp Variant Classification Summary - May 2015. Collection method: clinical testing. Allele origin: germline.
Comment: Variant summary: LAMA2 c.6268+5G>C alters a conserved nucleotide located close to a canonical splice site and therefore could affect mRNA splicing, leading to a significantly altered protein sequence. Several computational tools predict a significant impact on normal splicing: Four predict the variant abolishes the canonical 5' splicing donor site. However, these predictions have yet to be confirmed by functional studies. The variant allele was found at a frequency of 0.00067 in 250604 control chromosomes. This frequency is not significantly higher than estimated for a pathogenic variant in LAMA2 causing Laminin Alpha 2-Related Dystrophy (0.00067 vs 0.0022), allowing no conclusion about variant significance. c.6268+5G>C has been listed to be found in a validation study in an individual affected with muscular dystrophy, however no further details were provided (Valencia_2012). These report(s) do not provide unequivocal conclusions about association of the variant with Laminin Alpha 2-Related Dystrophy. To our knowledge, no experimental evidence demonstrating an impact on protein function has been reported. The following publication have been ascertained in the context of this evaluation (PMID: 22426012). ClinVar contains an entry for this variant (Variation ID: 284415). Based on the evidence outlined above, the variant was classified as uncertain significance.

Mayo Clinic Laboratories, Mayo Clinic
Classification: Uncertain significance. Last evaluated: 2025-07-23. Review status: criteria provided, single submitter. Criteria: ACMG Guidelines, 2015. Collection method: clinical testing. Allele origin: germline. Observed: 4 variant alleles.
Comment: PP3, PM2_supporting

Blueprint Genetics
Classification: Uncertain significance. Last evaluated: 2024-11-14. Review status: criteria provided, single submitter. Criteria: ACMG Guidelines, 2015. Collection method: clinical testing. Allele origin: germline.

Ambry Genetics
Classification: Uncertain significance for Inborn genetic diseases. Last evaluated: 2024-08-01. Review status: criteria provided, single submitter. Criteria: Ambry Variant Classification Scheme 2023. Collection method: clinical testing. Allele origin: germline.
Comment: The c.6268+5G>C intronic alteration consists of a G to C substitution nucleotides after coding exon 43 in the LAMA2 gene. Based on insufficient or conflicting evidence, the clinical significance of this alteration remains unclear.

Revvity Omics, Revvity
Classification: Uncertain significance. Last evaluated: 2023-10-12. Review status: criteria provided, single submitter. Criteria: ACMG Guidelines, 2015. Collection method: clinical testing. Allele origin: germline.

Department of Pathology and Laboratory Medicine, Sinai Health System
Classification: Uncertain significance for Merosin deficient congenital muscular dystrophy; Muscular dystrophy, limb-girdle, autosomal recessive 23. Last evaluated: 2023-01-17. Review status: criteria provided, single submitter. Criteria: ACMG Guidelines, 2015. Collection method: research. Allele origin: germline.

Labcorp Genetics (formerly Invitae), Labcorp
Classification: Uncertain significance for LAMA2-related muscular dystrophy. Last evaluated: 2022-10-21. Review status: criteria provided, single submitter. Criteria: Invitae Variant Classification Sherloc (09022015). Collection method: clinical testing. Allele origin: germline.
Comment: This sequence change falls in intron 43 of the LAMA2 gene. It does not directly change the encoded amino acid sequence of the LAMA2 protein. It affects a nucleotide within the consensus splice site. This variant is present in population databases (rs182064878, gnomAD 0.2%), and has an allele count higher than expected for a pathogenic variant. This variant has not been reported in the literature in individuals affected with LAMA2-related conditions. ClinVar contains an entry for this variant (Variation ID: 284415). Variants that disrupt the consensus splice site are a relatively common cause of aberrant splicing (PMID: 17576681, 9536098). Algorithms developed to predict the effect of sequence changes on RNA splicing suggest that this variant may disrupt the consensus splice site. In summary, the available evidence is currently insufficient to determine the role of this variant in disease. Therefore, it has been classified as a Variant of Uncertain Significance.

GeneDx
Classification: Uncertain significance. Last evaluated: 2021-08-31. Review status: criteria provided, single submitter. Criteria: GeneDx Variant Classification Process June 2021. Collection method: clinical testing. Allele origin: germline. Affected: yes.
Comment: In silico analysis, which includes splice predictors and evolutionary conservation, supports a deleterious effect; Has not been previously published as pathogenic or benign to our knowledge

CeGaT Center for Human Genetics Tuebingen
Classification: Uncertain significance. Last evaluated: 2021-05-01. Review status: criteria provided, single submitter. Criteria: CeGaT Center For Human Genetics Tuebingen Variant Classification Criteria Version 2. Collection method: clinical testing. Allele origin: germline. Affected: yes. Observed: 1 variant allele.

Cambridge Genomics Laboratory, East Genomic Laboratory Hub, NHS Genomic Medicine Service
Classification: Uncertain significance for Intellectual disability. Last evaluated: 2020-04-21. Review status: criteria provided, single submitter. Criteria: ACGS Best Practice Guidelines for Variant Classification in Rare Disease 2020. Collection method: clinical testing. Allele origin: germline. Affected: yes. Observed: 1 variant allele.

Fulgent Genetics
Classification: Uncertain significance for Merosin deficient congenital muscular dystrophy; Muscular dystrophy, limb-girdle, autosomal recessive 23. Last evaluated: 2018-10-31. Review status: criteria provided, single submitter. Criteria: ACMG Guidelines, 2015. Collection method: clinical testing. Allele origin: unknown.

Illumina Laboratory Services, Illumina
Classification: Uncertain significance for Congenital muscular dystrophy due to partial LAMA2 deficiency. Last evaluated: 2018-01-13. Review status: criteria provided, single submitter. Criteria: ICSL Variant Classification Criteria 13 December 2019. Collection method: clinical testing. Allele origin: germline.

Genetic Services Laboratory, University of Chicago
Classification: Uncertain significance. Last evaluated: 2017-03-22. Review status: criteria provided, single submitter. Criteria: ACMG Guidelines, 2015. Collection method: clinical testing. Allele origin: germline. Affected: no.

Center for Pediatric Genomic Medicine, Children's Mercy Hospital and Clinics
Classification: Uncertain significance. Last evaluated: 2017-01-16. Review status: criteria provided, single submitter. Criteria: ACMG Guidelines, 2015. Collection method: clinical testing. Allele origin: germline.
ClinVar note: Converted during submission from Uncertain Significance to Uncertain significance.

Eurofins Ntd Llc (ga)
Classification: Uncertain significance. Last evaluated: 2015-12-03. Review status: criteria provided, single submitter. Criteria: EGL Classification Definitions 2015. Collection method: clinical testing. Allele origin: germline. Observed: 1 variant allele, 1 heterozygote.

PreventionGenetics, part of Exact Sciences
Classification: Likely benign for LAMA2-related condition. Last evaluated: 2022-07-28. Review status: no assertion criteria provided. Collection method: clinical testing. Allele origin: germline. Not counted in ClinVar's aggregate classification.
Comment: This variant is classified as likely benign based on ACMG/AMP sequence variant interpretation guidelines (Richards et al. 2015 PMID: 25741868, with internal and published modifications).

Dr. Peter K. Rogan Lab, Western University
No classification provided (evidence only). Condition: Uterine corpus endometrial carcinoma. Review status: no classification provided. Collection method: in vitro. Allele origin: not applicable. Functional consequence: retained intron. Not counted in ClinVar's aggregate classification.

Dr. Peter K. Rogan Lab, Western University
No classification provided (evidence only). Condition: Uveal melanoma. Review status: no classification provided. Collection method: in vitro. Allele origin: not applicable. Functional consequence: retained intron. Not counted in ClinVar's aggregate classification.

Literature cited by the submitters: PubMed 22426012 (cited by Women's Health and Genetics/Laboratory Corporation of America, LabCorp); PubMed 17576681 (cited by Labcorp Genetics (formerly Invitae), Labcorp); PubMed 9536098 (cited by Labcorp Genetics (formerly Invitae), Labcorp).